The following is an entry in ClinVar:

ClinVar aggregate classification (germline): Conflicting classifications of pathogenicity. Review status: criteria provided, conflicting classifications (1 of 4 stars). 3 submissions from 3 submitters: Uncertain significance (1); Likely benign (2). Last evaluated 2026-01-27.

Conditions:
Neutral lipid storage myopathy (NLSDM). Also called: NEUTRAL LIPID STORAGE DISEASE WITHOUT ICHTHYOSIS. Identifiers: Orphanet 98908, MedGen C1853136, MONDO:0012545, OMIM 610717.

Allele frequency attached by ClinVar (database versions not stated): gnomAD exomes 0.00001; gnomAD 0.00003; TOPMed 0.00003.
gnomAD v4.1: 9 of 1,532,612 alleles (0.00059%); highest among the groups gnomAD compares: African/African-American, 0.0055%; no homozygotes.

Submissions (3):

Labcorp Genetics (formerly Invitae), Labcorp
Classification: Likely benign for Neutral lipid storage myopathy. Last evaluated: 2026-01-27. Review status: criteria provided, single submitter. Criteria: Invitae Variant Classification Sherloc (09022015). Collection method: clinical testing. Allele origin: germline.

GeneDx
Classification: Uncertain significance. Last evaluated: 2025-06-27. Review status: criteria provided, single submitter. Criteria: GeneDx Variant Classification Process June 2021. Collection method: clinical testing. Allele origin: germline. Affected: yes.
Comment: Not observed at significant frequency in large population cohorts (gnomAD); In silico analysis suggests that this variant does not alter splicing; Has not been previously published as pathogenic or benign to our knowledge

Blueprint Genetics
Classification: Likely benign. Last evaluated: 2022-12-21. Review status: criteria provided, single submitter. Criteria: ACMG Guidelines, 2015. Collection method: clinical testing. Allele origin: germline.

NM_020376.4(PNPLA2):c.1446C>G (p.Ala482=)

Gene: PNPLA2 (patatin like domain 2, triacylglycerol lipase; plus strand). Cytogenetic location: 11p15.5.
Variant type: single nucleotide variant.
Coding change: c.1446C>G on transcript NM_020376.4 (MANE Select); coding-DNA position 1446, C replaced by G.
Protein change: p.Ala482=; no amino-acid change (alanine 482 retained).
Molecular consequence: synonymous variant.
Genome position (GRCh38, 1-based): chr11:824,793, C>G. VCF-style: chr11-824793-C-G. GRCh37 (hg19) VCF-style: chr11-824793-C-G.
Other names: c.1446C>G (NM_020376.3).
Identifiers: ClinVar variation 1140012 (VCV001140012.11), dbSNP rs768610141, ClinGen allele CA5791415.